The following is an entry in ClinVar:

ClinVar aggregate classification (germline): Uncertain significance (1 of 4 stars; one submission).

Submission:

Labcorp Genetics (formerly Invitae), Labcorp
Classification: Uncertain significance. Last evaluated: 2022-07-26. Review status: criteria provided, single submitter. Criteria: Invitae Variant Classification Sherloc (09022015). Collection method: clinical testing. Allele origin: germline.
Comment: This sequence change replaces lysine, which is basic and polar, with arginine, which is basic and polar, at codon 202 of the TK2 protein (p.Lys202Arg). This variant is not present in population databases (gnomAD no frequency). This variant has not been reported in the literature in individuals affected with TK2-related conditions. ClinVar contains an entry for this variant (Variation ID: 1512504). Advanced modeling of protein sequence and biophysical properties (such as structural, functional, and spatial information, amino acid conservation, physicochemical variation, residue mobility, and thermodynamic stability) performed at Invitae indicates that this missense variant is not expected to disrupt TK2 protein function. In summary, the available evidence is currently insufficient to determine the role of this variant in disease. Therefore, it has been classified as a Variant of Uncertain Significance.

NM_004614.5(TK2):c.605A>G (p.Lys202Arg)

Gene: TK2 (thymidine kinase 2; minus strand). Cytogenetic location: 16q21.
Variant type: single nucleotide variant.
Coding change: c.605A>G on transcript NM_004614.5 (MANE Select); coding-DNA position 605, A replaced by G.
Protein change: p.Lys202Arg; replaces lysine 202 with arginine.
Molecular consequence: missense variant. On other transcripts: non-coding transcript variant (1), intron variant (1).
Genome position (GRCh38, 1-based): chr16:66,517,149, T>C on the plus strand (A>G on the coding strand, the complement: TK2 is on the minus strand). VCF-style: chr16-66517149-T-C. GRCh37 (hg19) VCF-style: chr16-66551052-T-C.
Other names: c.512A>G, p.Lys171Arg (NM_001172643.1); c.530A>G, p.Lys177Arg (NM_001172644.2); c.551A>G, p.Lys184Arg (NM_001172645.2); c.458A>G, p.Lys153Arg (NM_001271934.2); c.314A>G, p.Lys105Arg (NM_001272050.2); c.357-3338A>G (NM_001271935.1); short protein forms K177R, K184R, K105R, K153R, K171R, K202R.
Identifiers: ClinVar variation 1512504 (VCV001512504.5), dbSNP rs2144353940, ClinGen allele CA396187642.